The following is an entry in ClinVar:

ClinVar aggregate classification (germline): Uncertain significance. Review status: criteria provided, multiple submitters, no conflicts (2 of 4 stars). 4 submissions from 4 submitters: Uncertain significance (4). Last evaluated 2024-05-08.

Conditions:
Orofaciodigital syndrome type 6 (OFD6). Also called: Y-shaped central metacarpal and cerebellar defect; Joubert syndrome with orofacialdigital anomalies; OROFACIODIGITAL SYNDROME VI; OFDS VI; POLYDACTYLY, CLEFT LIP/PALATE OR LINGUAL LUMP, AND PSYCHOMOTOR RETARDATION; VARADI SYNDROME. Identifiers: Orphanet 2754, MedGen C2745997, MONDO:0010176, OMIM 277170.
Joubert syndrome 17 (JBTS17). Identifiers: Orphanet 475, MedGen C3553264, MONDO:0013824, OMIM 614615.

Allele frequency attached by ClinVar (database versions not stated): gnomAD 0.00001 and 0.00002; gnomAD exomes 0.00001 and 0.00004; ExAC 0.00002; TOPMed 0.00002; ESP Exome Variant Server 0.00008.
gnomAD v4.1: 23 of 1,613,880 alleles (0.0014%); highest among the groups gnomAD compares: East Asian, 0.0022%; no homozygotes.

Submissions (4):

Blueprint Genetics
Classification: Uncertain significance. Last evaluated: 2024-05-08. Review status: criteria provided, single submitter. Criteria: ACMG Guidelines, 2015. Collection method: clinical testing. Allele origin: germline.

Fulgent Genetics
Classification: Uncertain significance for Orofaciodigital syndrome type 6; Joubert syndrome 17. Last evaluated: 2024-03-07. Review status: criteria provided, single submitter. Criteria: ACMG Guidelines, 2015. Collection method: clinical testing. Allele origin: germline.

Labcorp Genetics (formerly Invitae), Labcorp
Classification: Uncertain significance. Last evaluated: 2023-12-07. Review status: criteria provided, single submitter. Criteria: Invitae Variant Classification Sherloc (09022015). Collection method: clinical testing. Allele origin: germline.
Comment: This sequence change replaces histidine, which is basic and polar, with arginine, which is basic and polar, at codon 2634 of the CPLANE1 protein (p.His2634Arg). This variant is present in population databases (rs373755833, gnomAD 0.008%). This variant has not been reported in the literature in individuals affected with CPLANE1-related conditions. ClinVar contains an entry for this variant (Variation ID: 353428). Advanced modeling of protein sequence and biophysical properties (such as structural, functional, and spatial information, amino acid conservation, physicochemical variation, residue mobility, and thermodynamic stability) performed at Invitae indicates that this missense variant is not expected to disrupt CPLANE1 protein function with a negative predictive value of 95%. In summary, the available evidence is currently insufficient to determine the role of this variant in disease. Therefore, it has been classified as a Variant of Uncertain Significance.

Illumina Laboratory Services, Illumina
Classification: Uncertain significance for Joubert syndrome 17. Last evaluated: 2018-01-13. Review status: criteria provided, single submitter. Criteria: ICSL Variant Classification Criteria 13 December 2019. Collection method: clinical testing. Allele origin: germline.

NM_001384732.1(CPLANE1):c.7955A>G (p.His2652Arg)

Gene: CPLANE1 (ciliogenesis and planar polarity effector complex subunit 1; minus strand). Cytogenetic location: 5p13.2.
Variant type: single nucleotide variant.
Coding change: c.7955A>G on transcript NM_001384732.1 (MANE Select); coding-DNA position 7955, A replaced by G.
Protein change: p.His2652Arg; replaces histidine 2652 with arginine.
Molecular consequence: missense variant.
Genome position (GRCh38, 1-based): chr5:37,157,726, T>C on the plus strand (A>G on the coding strand, the complement: CPLANE1 is on the minus strand). VCF-style: chr5-37157726-T-C. GRCh37 (hg19) VCF-style: chr5-37157828-T-C.
Other names: c.7901A>G, p.His2634Arg (NM_023073.4); short protein forms H2634R, H2652R.
Identifiers: ClinVar variation 353428 (VCV000353428.9), dbSNP rs373755833, ClinGen allele CA3237911.